The following is an entry in ClinVar:

NM_004484.4(GPC3):c.268G>A (p.Glu90Lys)

Gene: GPC3 (glypican 3; minus strand). Cytogenetic location: Xq26.2.
Variant type: single nucleotide variant.
Coding change: c.268G>A on transcript NM_004484.4 (MANE Select); coding-DNA position 268, G replaced by A.
Protein change: p.Glu90Lys; replaces glutamic acid 90 with lysine.
Molecular consequence: missense variant. On other transcripts: intron variant (1).
Genome position (GRCh38, 1-based): chrX:133,953,119, C>T on the plus strand (G>A on the coding strand, the complement: GPC3 is on the minus strand). VCF-style: chrX-133953119-C-T. GRCh37 (hg19) VCF-style: chrX-133087146-C-T.
Other names: c.268G>A, p.Glu90Lys (NM_001164617.2, NM_001164618.2); c.175+32156G>A (NM_001164619.2); short protein forms E90K.
Identifiers: ClinVar variation 933833 (VCV000933833.10), dbSNP rs866063769, ClinGen allele CA335995644.

ClinVar aggregate classification (germline): Uncertain significance (1 of 4 stars; one submission).

Conditions:
Wilms tumor 1 (WT1). Also called: Wilms tumor, somatic. Identifiers: Orphanet 654, MedGen CN033288, MONDO:0008679, OMIM 194070.

Allele frequency attached by ClinVar (database versions not stated): gnomAD exomes below 0.00001.
gnomAD v4.1: 1 of 1,206,957 alleles (0.000083%); highest among the groups gnomAD compares: Non-Finnish European, 0.00011%; no homozygotes.

Submission:

Labcorp Genetics (formerly Invitae), Labcorp
Classification: Uncertain significance for Wilms tumor 1. Last evaluated: 2020-03-18. Review status: criteria provided, single submitter. Criteria: Invitae Variant Classification Sherloc (09022015). Collection method: clinical testing. Allele origin: germline.
Comment: In summary, the available evidence is currently insufficient to determine the role of this variant in disease. Therefore, it has been classified as a Variant of Uncertain Significance. Algorithms developed to predict the effect of missense changes on protein structure and function are either unavailable or do not agree on the potential impact of this missense change (SIFT: "Deleterious"; PolyPhen-2: "Probably Damaging"; Align-GVGD: "Class C0"). This variant has not been reported in the literature in individuals with GPC3-related conditions. This variant is not present in population databases (ExAC no frequency). This sequence change replaces glutamic acid with lysine at codon 90 of the GPC3 protein (p.Glu90Lys). The glutamic acid residue is highly conserved and there is a small physicochemical difference between glutamic acid and lysine.